The following is an entry in ClinVar:

NM_015272.5(RPGRIP1L):c.1137G>A (p.Lys379=)

Gene: RPGRIP1L (RPGRIP1 like; minus strand). Cytogenetic location: 16q12.2.
Variant type: single nucleotide variant.
Coding change: c.1137G>A on transcript NM_015272.5 (MANE Select); coding-DNA position 1137, G replaced by A.
Protein change: p.Lys379=; no amino-acid change (lysine 379 retained).
Molecular consequence: synonymous variant.
Genome position (GRCh38, 1-based): chr16:53,664,976, C>T on the plus strand (G>A on the coding strand, the complement: RPGRIP1L is on the minus strand). VCF-style: chr16-53664976-C-T. GRCh37 (hg19) VCF-style: chr16-53698888-C-T.
Other names: c.1137G>A, p.Lys379= (NM_001127897.4, NM_001308334.3, NM_001330538.2); c.1137G>A (NM_015272.4).
Identifiers: ClinVar variation 2189584 (VCV002189584.5), dbSNP rs780306746, ClinGen allele CA8057893.

ClinVar aggregate classification (germline): Likely benign. Review status: criteria provided, multiple submitters, no conflicts (2 of 4 stars). 2 submissions from 2 submitters: Likely benign (2). Last evaluated 2026-03-23.

Conditions:
RPGRIP1L-related disorder. Also called: RPGRIP1L-related disorders; RPGRIP1L-related condition. Identifiers: MedGen CN239416.
Meckel-Gruber syndrome. Also called: DYSENCEPHALIA SPLANCHNOCYSTICA; GRUBER SYNDROME; Dysencephalia splachnocystica. Identifiers: Orphanet 564, MedGen C0265215, MONDO:0018921.
Joubert syndrome. Also called: JOUBERT-BOLTSHAUSER SYNDROME; Familial aplasia of the vermis. Identifiers: Orphanet 475, MedGen C5979921, MONDO:0018772.

Allele frequency attached by ClinVar (database versions not stated): gnomAD exomes below 0.00001; ExAC 0.00001.
gnomAD v4.1: 7 of 1,613,696 alleles (0.00043%); highest among the groups gnomAD compares: Non-Finnish European, 0.00051%; no homozygotes.

Submissions (2):

PreventionGenetics, part of Exact Sciences
Classification: Likely benign for RPGRIP1L-related condition. Last evaluated: 2026-03-23. Review status: criteria provided, single submitter. Criteria: ACMG Guidelines, 2015. Collection method: clinical testing. Allele origin: germline.
Comment: This variant is classified as likely benign based on ACMG/AMP sequence variant interpretation guidelines (Richards et al. 2015 PMID: 25741868, with internal and published modifications).

Labcorp Genetics (formerly Invitae), Labcorp
Classification: Likely benign for Joubert syndrome; Meckel-Gruber syndrome. Last evaluated: 2023-03-19. Review status: criteria provided, single submitter. Criteria: Invitae Variant Classification Sherloc (09022015). Collection method: clinical testing. Allele origin: germline.